The following is an entry in ClinVar:

ClinVar aggregate classification (germline): Benign. Review status: criteria provided, multiple submitters, no conflicts (2 of 4 stars). 3 submissions from 3 submitters: Benign (3). Last evaluated 2026-06-01.

Allele frequency attached by ClinVar (database versions not stated): gnomAD exomes 0.00118 and 0.00347; ExAC 0.00365; ESP Exome Variant Server 0.00392; gnomAD 0.00494 and 0.00501; TOPMed 0.00561; 1000 Genomes Project 30x 0.00937; 1000 Genomes Project 0.00958.
gnomAD v4.1: 2,536 of 1,614,194 alleles (0.16%); highest among the groups gnomAD compares: African/African-American, 1.5%; 23 homozygotes.

Submissions (3):

CeGaT Center for Human Genetics Tuebingen
Classification: Benign. Last evaluated: 2026-06-01. Review status: criteria provided, single submitter. Criteria: CeGaT Center For Human Genetics Tuebingen Variant Classification Criteria Version 2. Collection method: clinical testing. Allele origin: germline. Affected: yes. Observed: 2 variant alleles.
Comment: EML1: BS1, BS2

Labcorp Genetics (formerly Invitae), Labcorp
Classification: Benign. Last evaluated: 2026-01-06. Review status: criteria provided, single submitter. Criteria: Invitae Variant Classification Sherloc (09022015). Collection method: clinical testing. Allele origin: germline.

Breakthrough Genomics
Classification: Benign. Review status: criteria provided, single submitter. Criteria: ACMG Guidelines, 2015. Collection method: not provided. Allele origin: germline. Inheritance: Autosomal recessive inheritance. Affected: yes.

NM_004434.3(EML1):c.326G>A (p.Gly109Asp)

Gene: EML1 (EMAP like 1; plus strand). Cytogenetic location: 14q32.2.
Variant type: single nucleotide variant.
Coding change: c.326G>A on transcript NM_004434.3 (MANE Select); coding-DNA position 326, G replaced by A.
Protein change: p.Gly109Asp; replaces glycine 109 with aspartic acid.
Molecular consequence: missense variant.
Genome position (GRCh38, 1-based): chr14:99,865,589, G>A. VCF-style: chr14-99865589-G-A. GRCh37 (hg19) VCF-style: chr14-100331926-G-A.
Other names: c.326G>A, p.Gly109Asp (NM_001008707.2, NM_001375412.1); c.287G>A, p.Gly96Asp (NM_001375411.1); short protein forms G96D, G109D.
Identifiers: ClinVar variation 708175 (VCV000708175.17), dbSNP rs141631682, ClinGen allele CA7342262.